The following is an entry in ClinVar:

ClinVar aggregate classification (germline): Pathogenic (1 of 4 stars; one submission).

Conditions:
Glycine encephalopathy. Also called: Nonketotic hyperglycinemia; Non-ketotic hyperglycinemia. Identifiers: Orphanet 407, MedGen C0751748, MONDO:0011612, HP:0008288.

Submission:

Labcorp Genetics (formerly Invitae), Labcorp
Classification: Pathogenic for Glycine encephalopathy. Last evaluated: 2023-11-13. Review status: criteria provided, single submitter. Criteria: Invitae Variant Classification Sherloc (09022015). Collection method: clinical testing. Allele origin: germline.
Comment: This sequence change creates a premature translational stop signal (p.Asp712Valfs*4) in the GLDC gene. It is expected to result in an absent or disrupted protein product. Loss-of-function variants in GLDC are known to be pathogenic (PMID: 16601880). This variant is not present in population databases (gnomAD no frequency). This variant has not been reported in the literature in individuals affected with GLDC-related conditions. Algorithms developed to predict the effect of sequence changes on RNA splicing suggest that this variant may disrupt the consensus splice site. For these reasons, this variant has been classified as Pathogenic.

Literature cited by the submitters: PubMed 16601880.

NM_000170.3(GLDC):c.2134_2135insT (p.Asp712fs)

Gene: GLDC (glycine decarboxylase; minus strand). Cytogenetic location: 9p24.1.
Variant type: Insertion.
Coding change: c.2134_2135insT on transcript NM_000170.3 (MANE Select); coding-DNA positions 2134 to 2135, T inserted.
Protein change: p.Asp712fs; shifts the reading frame from aspartic acid 712.
Molecular consequence: frameshift variant.
Genome position: GRCh38 VCF-style: chr9-6556220-T-TA. GRCh37 (hg19) VCF-style: chr9-6556220-T-TA.
Other names: short protein forms D712fs.
Identifiers: ClinVar variation 2693104 (VCV002693104.3), dbSNP rs2489036333, ClinGen allele CA2697550299.